The following is an entry in ClinVar:

ClinVar aggregate classification (germline): Uncertain significance (1 of 4 stars; one submission).

Conditions:
Primary dilated cardiomyopathy (DCM). Also called: Dilated Cardiomyopathy. Identifiers: Orphanet 217604, MedGen C0007193, MeSH D002311, MONDO:0005021, HP:0001644. Inheritance: Various modes of inheritance.
Hypertrophic cardiomyopathy. Also called: HYPERTROPHIC MYOCARDIOPATHY. Identifiers: Orphanet 217569, MedGen C0007194, MeSH D002312, MONDO:0005045, HP:0001639.

Allele frequency attached by ClinVar (database versions not stated): gnomAD exomes below 0.00001; ExAC 0.00001.
gnomAD v4.1: 1 of 1,608,946 alleles (0.000062%); highest among the groups gnomAD compares: Non-Finnish European, 0.000085%; no homozygotes.

Submission:

Labcorp Genetics (formerly Invitae), Labcorp
Classification: Uncertain significance for Hypertrophic cardiomyopathy; Primary dilated cardiomyopathy. Last evaluated: 2023-07-12. Review status: criteria provided, single submitter. Criteria: Invitae Variant Classification Sherloc (09022015). Collection method: clinical testing. Allele origin: germline.
Comment: This sequence change replaces phenylalanine, which is neutral and non-polar, with leucine, which is neutral and non-polar, at codon 23 of the PDLIM3 protein (p.Phe23Leu). The frequency data for this variant in the population databases is considered unreliable, as metrics indicate poor data quality at this position in the gnomAD database. This variant has not been reported in the literature in individuals affected with PDLIM3-related conditions. Advanced modeling of protein sequence and biophysical properties (such as structural, functional, and spatial information, amino acid conservation, physicochemical variation, residue mobility, and thermodynamic stability) performed at Invitae indicates that this missense variant is not expected to disrupt PDLIM3 protein function. In summary, the available evidence is currently insufficient to determine the role of this variant in disease. Therefore, it has been classified as a Variant of Uncertain Significance.

NM_014476.6(PDLIM3):c.67T>C (p.Phe23Leu)

Gene: PDLIM3 (PDZ and LIM domain 3; minus strand). Cytogenetic location: 4q35.1.
Variant type: single nucleotide variant.
Coding change: c.67T>C on transcript NM_014476.6 (MANE Select); coding-DNA position 67, T replaced by C.
Protein change: p.Phe23Leu; replaces phenylalanine 23 with leucine.
Molecular consequence: missense variant. On other transcripts: non-coding transcript variant (1).
Genome position (GRCh38, 1-based): chr4:185,535,368, A>G on the plus strand (T>C on the coding strand, the complement: PDLIM3 is on the minus strand). VCF-style: chr4-185535368-A-G. GRCh37 (hg19) VCF-style: chr4-186456522-A-G.
Other names: c.67T>C, p.Phe23Leu (NM_001114107.5, NM_001257962.2, NM_001257963.2); short protein forms F23L.
Identifiers: ClinVar variation 2931590 (VCV002931590.3), dbSNP rs748724098, ClinGen allele CA3159921.